The following is an entry in ClinVar:

ClinVar aggregate classification (germline): Pathogenic. Review status: criteria provided, multiple submitters, no conflicts (2 of 4 stars). 17 submissions from 16 submitters: Pathogenic (16). 1 of the submissions does not count toward it. Last evaluated 2026-03-19.

Conditions:
ALDH7A1-related disorder. Also called: ALDH7A1-related condition.
Inborn genetic diseases. Identifiers: MedGen C0950123, MeSH D030342.
Pyridoxine-dependent epilepsy (EPEO4). Also called: Pyridoxine-Dependent Epilepsy - ALDH7A1; PYRIDOXINE DEPENDENCY WITH SEIZURES; Pyridoxine-Dependent Seizures; EPILEPSY, EARLY-ONSET, 4, VITAMIN B6-DEPENDENT. Identifiers: Orphanet 3006, MedGen C1849508, MONDO:0009945, OMIM 266100. Disease mechanism: loss of function.
Ventriculomegaly. Identifiers: MedGen C1531647, HP:0002119.
Seizure. Also called: Seizures. Identifiers: MedGen C0036572, HP:0001250.

Allele frequency attached by ClinVar (database versions not stated): TOPMed 0.00003; gnomAD 0.00010.

Submissions (17):

Victorian Clinical Genetics Services, Murdoch Childrens Research Institute
Classification: Pathogenic for Pyridoxine-dependent epilepsy. Last evaluated: 2026-03-19. Review status: criteria provided, single submitter. Criteria: ACMG Guidelines, 2015. Collection method: clinical testing. Allele origin: germline. Affected: yes.
Comment: This variant is classified as Pathogenic. Evidence in support of pathogenic classification: Variant is predicted to cause nonsense-mediated decay (NMD) and loss of protein (premature termination codon is located at least 54 nucleotides upstream of the final exon-exon junction); Variant is present in gnomAD (v4) <0.01 for a recessive condition (76 heterozygotes, 0 homozygotes); This variant has strong previous evidence of pathogenicity in unrelated individuals. This variant has been reported multiple times as pathogenic by clinical testing laboratories (ClinVar); Other NMD-predicted variants comparable to the one identified in this case have very strong previous evidence for pathogenicity. Many NMD-predicted variants have been reported as pathogenic or likely pathogenic (ClinVar). Additional information: This variant is heterozygous; This gene is associated with autosomal recessive disease; Loss of function is a known mechanism of disease in this gene and is associated with epilepsy, early-onset, 4, vitamin B6-dependent (MIM#266100).

CeGaT Center for Human Genetics Tuebingen
Classification: Pathogenic. Last evaluated: 2026-02-01. Review status: criteria provided, single submitter. Criteria: CeGaT Center For Human Genetics Tuebingen Variant Classification Criteria Version 2. Collection method: clinical testing. Allele origin: germline. Affected: yes. Observed: 6 variant alleles.
Comment: ALDH7A1: PM3:Very Strong, PVS1, PM2

Labcorp Genetics (formerly Invitae), Labcorp
Classification: Pathogenic for Pyridoxine-dependent epilepsy. Last evaluated: 2026-01-21. Review status: criteria provided, single submitter. Criteria: Invitae Variant Classification Sherloc (09022015). Collection method: clinical testing. Allele origin: germline.
Comment: This sequence change creates a premature translational stop signal (p.Arg110*) in the ALDH7A1 gene. It is expected to result in an absent or disrupted protein product. Loss-of-function variants in ALDH7A1 are known to be pathogenic (PMID: 16491085, 20554659). This variant is present in population databases (rs121912708, gnomAD 0.01%). This premature translational stop signal has been observed in individuals with pyridoxine-dependent seizures (PMID: 16491085, 18717709, 26101365, 26232297). This variant is also known as c.244C>T, p.Arg82X. ClinVar contains an entry for this variant (Variation ID: 17995). For these reasons, this variant has been classified as Pathogenic.

PreventionGenetics, part of Exact Sciences
Classification: Pathogenic for ALDH7A1-related condition. Last evaluated: 2025-08-05. Review status: criteria provided, single submitter. Criteria: ACMG Guidelines, 2015. Collection method: clinical testing. Allele origin: germline.
Comment: The ALDH7A1 c.328C>T variant is predicted to result in premature protein termination (p.Arg110*). This variant, also documented in the literature using legacy nomenclature as p.Arg82*, has been reported in the biallelic state in multiple patients with pyridoxine-dependent seizures (Mills et al. 2006. PubMed ID: 16491085; Cirillo et al. 2015. PubMed ID: 26101365; Kingsmore et al. 2019. PubMed ID: 31564432). This variant is reported in 0.010% of alleles in individuals of European (Non-Finnish) descent in gnomAD, and this variant has been interpreted as pathogenic by multiple laboratories in ClinVar. Nonsense variants in ALDH7A1 are expected to be pathogenic. This variant is interpreted as pathogenic.

Variantyx, Inc.
Classification: Pathogenic for Pyridoxine-dependent epilepsy. Last evaluated: 2025-03-12. Review status: criteria provided, single submitter. Criteria: Variantyx Assertion Criteria 2022. Collection method: clinical testing. Allele origin: maternal.
Comment: This is a nonsense variant in the ALDH7A1 gene (OMIM: 107323). Pathogenic variants in this gene have been associated with autosomal recessive early-onset vitamin-B6 dependent epilepsy 4. This variant introduces a premature termination codon in exon 4 out of 18. It is expected to result in loss of function, which is a known disease mechanism for ALDH7A1 in this disorder (PVS1). This variant has been identified in the homozygous or compound heterozygous state in at least 2 individuals from the published literature (PMID: 26232297) (PM3_Strong). This variant has a 0.0067% maximum allele frequency in non-founder control populations (PM2_Supporting). Based on the current evidence, this variant is classified as pathogenic for autosomal recessive early-onset vitamin-B6 dependent epilepsy 4.

GeneDx
Classification: Pathogenic. Last evaluated: 2024-12-30. Review status: criteria provided, single submitter. Criteria: GeneDx Variant Classification Process June 2021. Collection method: clinical testing. Allele origin: germline. Affected: yes.
Comment: Published functional studies demonstrate a damaging effect showing that the mutant enzyme had no detectable activity compared to wild type (PMID: 16491085); Nonsense variant predicted to result in protein truncation or nonsense mediated decay in a gene for which loss of function is a known mechanism of disease; Not observed at significant frequency in large population cohorts (gnomAD); This variant is associated with the following publications: (PMID: 18717709, 29875223, 30043187, 34645491, 31440721, 31019026, 25525159, 29286531, 31564432, 31623504, 31990480, 34426522, 34569664, 38250573, 16491085, 26232297, 26101365, 27342130)

Blueprint Genetics
Classification: Pathogenic for ALDH7A1-related disorders. Last evaluated: 2024-10-16. Review status: criteria provided, single submitter. Criteria: ACMG Guidelines, 2015. Collection method: clinical testing. Allele origin: germline. Affected: yes. Observed: 5 variant alleles.

Genomic Medicine Center of Excellence, King Faisal Specialist Hospital and Research Centre
Classification: Pathogenic for Pyridoxine-dependent epilepsy. Last evaluated: 2024-03-14. Review status: criteria provided, single submitter. Criteria: ACMG Guidelines, 2015. Collection method: research. Allele origin: germline.

Genome-Nilou Lab
Classification: Pathogenic for Pyridoxine-dependent epilepsy. Last evaluated: 2023-04-11. Review status: criteria provided, single submitter. Criteria: ACMG Guidelines, 2015. Collection method: clinical testing. Allele origin: germline. Affected: no.

Ambry Genetics
Classification: Pathogenic for Inborn genetic diseases. Last evaluated: 2022-03-28. Review status: criteria provided, single submitter. Criteria: Ambry Variant Classification Scheme 2023. Collection method: clinical testing. Allele origin: germline.
Comment: The c.328C>T (p.R110*) alteration, located in exon 4 (coding exon 4) of the ALDH7A1 gene, consists of a C to T substitution at nucleotide position 328. This changes the amino acid from a arginine (R) to a stop codon at amino acid position 110. This alteration is expected to result in loss of function by premature protein truncation or nonsense-mediated mRNA decay. Based on data from gnomAD, the T allele has an overall frequency of 0.01% (18/282868) total alleles studied. The highest observed frequency was 0.01% (1/7222) of Other alleles. This alteration has been reported in the homozygous and compound heterozygous states in multiple individuals with pyridoxine-dependent epilepsy (Cirillo, 2015; Kingsmore, 2019; Mills, 2006; Tincheva, 2015). Based on the available evidence, this alteration is classified as pathogenic.

Laboratorio de Genetica e Diagnostico Molecular, Hospital Israelita Albert Einstein
Classification: Pathogenic. Last evaluated: 2021-03-25. Review status: criteria provided, single submitter. Criteria: ACMG Guidelines, 2015. Collection method: clinical testing. Allele origin: germline. Affected: yes.
Comment: ACMG classification criteria: PVS1, PS4, PM2, PM3

Revvity Omics, Revvity
Classification: Pathogenic for Pyridoxine-dependent epilepsy. Last evaluated: 2020-11-17. Review status: criteria provided, single submitter. Criteria: ACMG Guidelines, 2015. Collection method: clinical testing. Allele origin: germline.

Centre for Mendelian Genomics, University Medical Centre Ljubljana
Classification: Pathogenic for Pyridoxine-dependent epilepsy. Last evaluated: 2019-11-05. Review status: criteria provided, single submitter. Criteria: ACMG Guidelines, 2015. Collection method: clinical testing. Allele origin: unknown. Affected: yes.
Comment: This variant was classified as: Pathogenic. The following ACMG criteria were applied in classifying this variant: PVS1,PS1,PM2.

Rady Children's Institute for Genomic Medicine, Rady Children's Hospital San Diego
Classification: Pathogenic for EPILEPSY, PYRIDOXINE-DEPENDENT. Last evaluated: 2017-11-02. Review status: criteria provided, single submitter. Criteria: ACMG Guidelines, 2015. Collection method: clinical testing. Allele origin: germline. Affected: yes. Observed: 1 variant allele.
Comment: The p.Arg119Ter variant (also referred to as p.Arg82Ter in the literature) is a stop-gained variant that is predicted to result in the premature truncation of the ALDH7A1 protein. This variant has been reported in two patients, once in the homozygous state and once in the compound heterozygous state that is identical to that seen in this patient (PMID: 16491085). This variant combination was shown to result in an absence of enzyme activity via in vitro functional expression studies in Chinese hamster ovary cells (PMID: 16491085). The highest reported allele frequency in the population database, gnomAD, is 0.0001 (13/126702 alleles). Based on the available evidence, the p.Arg119Ter variant is classified as pathogenic.

Center for Pediatric Genomic Medicine, Children's Mercy Hospital and Clinics
Classification: Pathogenic. Last evaluated: 2017-06-28. Review status: criteria provided, single submitter. Criteria: ACMG Guidelines, 2015. Collection method: clinical testing. Allele origin: germline.

Centre for Mendelian Genomics, University Medical Centre Ljubljana
Classification: Pathogenic for Seizure; Ventriculomegaly. Last evaluated: 2015-01-15. Review status: criteria provided, single submitter. Criteria: ACMG Guidelines, 2015. Collection method: clinical testing. Allele origin: unknown. Affected: yes.

OMIM
Classification: Pathogenic for EPILEPSY, EARLY-ONSET, 4, VITAMIN B6-DEPENDENT. Last evaluated: 2006-03-01. Review status: no assertion criteria provided. Collection method: literature only. Allele origin: germline. Not counted in ClinVar's aggregate classification.

Literature cited by the submitters: PubMed 16491085 (cited by 3 submitters); PubMed 20554659 (cited by Labcorp Genetics (formerly Invitae), Labcorp); PubMed 18717709 (cited by Labcorp Genetics (formerly Invitae), Labcorp); PubMed 26101365 (cited by Labcorp Genetics (formerly Invitae), Labcorp and Ambry Genetics); PubMed 26232297 (cited by Labcorp Genetics (formerly Invitae), Labcorp and Ambry Genetics); PubMed 31564432 (cited by Ambry Genetics).

NM_001182.5(ALDH7A1):c.328C>T (p.Arg110Ter)

Gene: ALDH7A1 (aldehyde dehydrogenase 7 family member A1; minus strand). Cytogenetic location: 5q23.2.
Variant type: single nucleotide variant.
Coding change: c.328C>T on transcript NM_001182.5 (MANE Select); coding-DNA position 328, C replaced by T.
Protein change: p.Arg110Ter; replaces arginine 110 with a stop codon.
Molecular consequence: nonsense.
Genome position (GRCh38, 1-based): chr5:126,583,997, G>A on the plus strand (C>T on the coding strand, the complement: ALDH7A1 is on the minus strand). VCF-style: chr5-126583997-G-A. GRCh37 (hg19) VCF-style: chr5-125919689-G-A.
Other names: c.244C>T, p.Arg82Ter (NM_001201377.2); c.328C>T, p.Arg110Ter (NM_001202404.2); short protein forms R82*, R110*.
Identifiers: ClinVar variation 17995 (VCV000017995.72), dbSNP rs121912708, ClinGen allele CA258073.
Genomic context (GRCh38, chr5:126,583,997, plus strand): 5'-TTCCTAGTACTTGGATCTTCTCCCGCAAGGCATCGCCAATCTGTCTTACTATTTCTCCTC[G>A]TTTTGGAGCAGGAATCTAAGAAAAGAATGCAATTTTTGTGTCTGATTCAAAGCATAAATT-3'